The following is an entry in ClinVar:

ClinVar aggregate classification (germline): Uncertain significance (1 of 4 stars; one submission).

Conditions:
Atrial fibrillation, familial, 7 (ATFB7). Identifiers: MedGen C2677106, MONDO:0012828, OMIM 612240.

Allele frequency attached by ClinVar (database versions not stated): TOPMed below 0.00001; gnomAD 0.00001.
gnomAD v4.1: 5 of 1,550,516 alleles (0.00032%); highest among the groups gnomAD compares: South Asian, 0.0047%; no homozygotes.

Submission:

Labcorp Genetics (formerly Invitae), Labcorp
Classification: Uncertain significance for Atrial fibrillation, familial, 7. Last evaluated: 2021-03-10. Review status: criteria provided, single submitter. Criteria: Invitae Variant Classification Sherloc (09022015). Collection method: clinical testing. Allele origin: germline.
Comment: In summary, the available evidence is currently insufficient to determine the role of this variant in disease. Therefore, it has been classified as a Variant of Uncertain Significance. Algorithms developed to predict the effect of missense changes on protein structure and function (SIFT, PolyPhen-2, Align-GVGD) all suggest that this variant is likely to be tolerated, but these predictions have not been confirmed by published functional studies and their clinical significance is uncertain. This variant has not been reported in the literature in individuals with KCNA5-related conditions. The frequency data for this variant in the population databases is considered unreliable, as metrics indicate insufficient coverage at this position in the ExAC database. This sequence change replaces alanine with glycine at codon 60 of the KCNA5 protein (p.Ala60Gly). The alanine residue is weakly conserved and there is a small physicochemical difference between alanine and glycine.

NM_002234.4(KCNA5):c.179C>G (p.Ala60Gly)

Gene: KCNA5 (potassium voltage-gated channel subfamily A member 5; plus strand). Cytogenetic location: 12p13.32.
Variant type: single nucleotide variant.
Coding change: c.179C>G on transcript NM_002234.4 (MANE Select); coding-DNA position 179, C replaced by G.
Protein change: p.Ala60Gly; replaces alanine 60 with glycine.
Molecular consequence: missense variant.
Genome position (GRCh38, 1-based): chr12:5,044,326, C>G. VCF-style: chr12-5044326-C-G. GRCh37 (hg19) VCF-style: chr12-5153492-C-G.
Other names: short protein forms A60G.
Identifiers: ClinVar variation 1402989 (VCV001402989.8), dbSNP rs1383675030, ClinGen allele CA383462053.